The following is an entry in ClinVar:

ClinVar aggregate classification (germline): Uncertain significance (1 of 4 stars; one submission).

Conditions:
Hereditary cancer-predisposing syndrome. Also called: Neoplastic Syndromes, Hereditary; Tumor predisposition; Hereditary Cancer Syndrome; Hereditary neoplastic syndrome. Identifiers: Orphanet 140162, MedGen C0027672, MeSH D009386, MONDO:0015356.

Submission:

Ambry Genetics
Classification: Uncertain significance for Hereditary cancer-predisposing syndrome. Last evaluated: 2020-01-07. Review status: criteria provided, single submitter. Criteria: Ambry Variant Classification Scheme 2023. Collection method: clinical testing. Allele origin: germline.
Comment: The p.D548Y variant (also known as c.1642G>T), located in coding exon 4 of the MSH6 gene, results from a G to T substitution at nucleotide position 1642. The aspartic acid at codon 548 is replaced by tyrosine, an amino acid with highly dissimilar properties. This amino acid position is poorly conserved in available vertebrate species. In addition, the in silico prediction for this alteration is inconclusive. Since supporting evidence is limited at this time, the clinical significance of this alteration remains unclear.

NM_000179.3(MSH6):c.1642G>T (p.Asp548Tyr)

Gene: MSH6 (mutS homolog 6; plus strand). Cytogenetic location: 2p16.3.
Variant type: single nucleotide variant.
Coding change: c.1642G>T on transcript NM_000179.3 (MANE Select); coding-DNA position 1642, G replaced by T.
Protein change: p.Asp548Tyr; replaces aspartic acid 548 with tyrosine.
Molecular consequence: missense variant.
Genome position (GRCh38, 1-based): chr2:47,799,625, G>T. VCF-style: chr2-47799625-G-T. GRCh37 (hg19) VCF-style: chr2-48026764-G-T.
Other names: c.1252G>T, p.Asp418Tyr (NM_001281492.2); c.736G>T, p.Asp246Tyr (NM_001281493.2, NM_001281494.2, NM_001406811.1 and 6 more transcripts); c.1738G>T, p.Asp580Tyr (NM_001406795.1, NM_001406802.1); c.1642G>T, p.Asp548Tyr (NM_001406796.1, NM_001406798.1, NM_001406800.1 and 3 more transcripts); c.1345G>T, p.Asp449Tyr (NM_001406797.1, NM_001406801.1, NM_001406805.1 and 10 more transcripts); c.1117G>T, p.Asp373Tyr (NM_001406799.1, NM_001406806.1, NM_001406807.1); c.1564G>T, p.Asp522Tyr (NM_001406804.1); c.1648G>T, p.Asp550Tyr (NM_001406813.1); and 1 more; short protein forms D522Y, D580Y, D492Y, D550Y, D246Y, D449Y, D373Y, D418Y.
Identifiers: ClinVar variation 1777081 (VCV001777081.2), dbSNP rs2104357887, ClinGen allele CA346747226.